The following is an entry in ClinVar:

ClinVar aggregate classification (germline): Uncertain significance (1 of 4 stars; one submission).

Allele frequency attached by ClinVar (database versions not stated): gnomAD exomes below 0.00001; ExAC 0.00002; ESP Exome Variant Server 0.00015.
gnomAD v4.1: 4 of 1,613,870 alleles (0.00025%); highest among the groups gnomAD compares: African/African-American, 0.0013%; no homozygotes.

Submission:

Labcorp Genetics (formerly Invitae), Labcorp
Classification: Uncertain significance. Last evaluated: 2022-11-23. Review status: criteria provided, single submitter. Criteria: Invitae Variant Classification Sherloc (09022015). Collection method: clinical testing. Allele origin: germline.
Comment: This sequence change affects a donor splice site in intron 4 of the CYP7A1 gene. It is expected to disrupt RNA splicing. Variants that disrupt the donor or acceptor splice site typically lead to a loss of protein function (PMID: 16199547), however the current clinical and genetic evidence is not sufficient to establish whether loss-of-function variants in CYP7A1 cause disease. This variant is present in population databases (rs368772513, gnomAD 0.002%). This variant has not been reported in the literature in individuals affected with CYP7A1-related conditions. Algorithms developed to predict the effect of sequence changes on RNA splicing suggest that this variant may disrupt the consensus splice site. In summary, the available evidence is currently insufficient to determine the role of this variant in disease. Therefore, it has been classified as a Variant of Uncertain Significance.

Literature cited by the submitters: PubMed 16199547.

NM_000780.4(CYP7A1):c.1039+2T>A

Gene: CYP7A1 (cytochrome P450 family 7 subfamily A member 1; minus strand). Cytogenetic location: 8q12.1.
Variant type: single nucleotide variant.
Coding change: c.1039+2T>A on transcript NM_000780.4 (MANE Select); the canonical splice donor site of the intron after coding-DNA position 1039, T replaced by A.
Molecular consequence: splice donor variant.
Genome position (GRCh38, 1-based): chr8:58,494,504, A>T on the plus strand (T>A on the coding strand, the complement: CYP7A1 is on the minus strand). VCF-style: chr8-58494504-A-T. GRCh37 (hg19) VCF-style: chr8-59407063-A-T.
Identifiers: ClinVar variation 2729760 (VCV002729760.3), dbSNP rs368772513, ClinGen allele CA4756680.